The following is an entry in ClinVar:

NM_017947.4(MOCOS):c.1093T>C (p.Tyr365His)

Gene: MOCOS (molybdenum cofactor sulfurase; plus strand). Cytogenetic location: 18q12.2.
Variant type: single nucleotide variant.
Coding change: c.1093T>C on transcript NM_017947.4 (MANE Select); coding-DNA position 1093, T replaced by C.
Protein change: p.Tyr365His; replaces tyrosine 365 with histidine.
Molecular consequence: missense variant.
Genome position (GRCh38, 1-based): chr18:36,205,151, T>C. VCF-style: chr18-36205151-T-C. GRCh37 (hg19) VCF-style: chr18-33785114-T-C.
Other names: short protein forms Y365H.
Identifiers: ClinVar variation 1037295 (VCV001037295.9), dbSNP rs753847410, ClinGen allele CA8940622.

ClinVar aggregate classification (germline): Uncertain significance. Review status: criteria provided, multiple submitters, no conflicts (2 of 4 stars). 2 submissions from 2 submitters: Uncertain significance (2). Last evaluated 2022-04-19.

Conditions:
Xanthinuria type II. Also called: Xanthine dehydrogenase and aldehyde oxidase combined deficiency of; XDH and AOX dual deficiency. Identifiers: Orphanet 3467, Orphanet 93602, MedGen C1863688, MONDO:0011346, OMIM 603592.

Allele frequency attached by ClinVar (database versions not stated): ExAC 0.00001; TOPMed 0.00001.
gnomAD v4.1: 4 of 1,613,840 alleles (0.00025%); highest among the groups gnomAD compares: Admixed American, 0.0017%; no homozygotes.

Submissions (2):

Fulgent Genetics
Classification: Uncertain significance for Xanthinuria type II. Last evaluated: 2022-04-19. Review status: criteria provided, single submitter. Criteria: ACMG Guidelines, 2015. Collection method: clinical testing. Allele origin: unknown.

Labcorp Genetics (formerly Invitae), Labcorp
Classification: Uncertain significance for Xanthinuria type II. Last evaluated: 2020-07-30. Review status: criteria provided, single submitter. Criteria: Invitae Variant Classification Sherloc (09022015). Collection method: clinical testing. Allele origin: germline.
Comment: This sequence change replaces tyrosine with histidine at codon 365 of the MOCOS protein (p.Tyr365His). The tyrosine residue is moderately conserved and there is a moderate physicochemical difference between tyrosine and histidine. In summary, the available evidence is currently insufficient to determine the role of this variant in disease. Therefore, it has been classified as a Variant of Uncertain Significance. Algorithms developed to predict the effect of missense changes on protein structure and function (SIFT, PolyPhen-2, Align-GVGD) all suggest that this variant is likely to be tolerated, but these predictions have not been confirmed by published functional studies and their clinical significance is uncertain. This variant has not been reported in the literature in individuals with MOCOS-related conditions. This variant is present in population databases (rs753847410, ExAC 0.009%).